The following is an entry in ClinVar:

ClinVar aggregate classification (germline): Uncertain significance (1 of 4 stars; one submission).

Conditions:
Duchenne muscular dystrophy (DMD). Also called: MUSCULAR DYSTROPHY, PSEUDOHYPERTROPHIC PROGRESSIVE, DUCHENNE TYPE; Duchenne Muscular Dystrophy (DMD). Identifiers: Orphanet 98896, MedGen C0013264, MONDO:0010679, OMIM 310200.

gnomAD v4.1: 2 of 1,209,124 alleles (0.00017%); highest among the groups gnomAD compares: Admixed American, 0.0022%; no homozygotes.

Submission:

Labcorp Genetics (formerly Invitae), Labcorp
Classification: Uncertain significance for Duchenne muscular dystrophy. Last evaluated: 2024-05-21. Review status: criteria provided, single submitter. Criteria: Invitae Variant Classification Sherloc (09022015). Collection method: clinical testing. Allele origin: germline.
Comment: This sequence change replaces alanine, which is neutral and non-polar, with valine, which is neutral and non-polar, at codon 2703 of the DMD protein (p.Ala2703Val). This variant is not present in population databases (gnomAD no frequency). This variant has not been reported in the literature in individuals affected with DMD-related conditions. Advanced modeling of protein sequence and biophysical properties (such as structural, functional, and spatial information, amino acid conservation, physicochemical variation, residue mobility, and thermodynamic stability) performed at Invitae indicates that this missense variant is not expected to disrupt DMD protein function with a negative predictive value of 95%. In summary, the available evidence is currently insufficient to determine the role of this variant in disease. Therefore, it has been classified as a Variant of Uncertain Significance.

NM_004006.3(DMD):c.8108C>T (p.Ala2703Val)

Gene: DMD (dystrophin; minus strand). Cytogenetic location: Xp21.1.
Variant type: single nucleotide variant.
Coding change: c.8108C>T on transcript NM_004006.3 (MANE Select); coding-DNA position 8108, C replaced by T.
Protein change: p.Ala2703Val; replaces alanine 2703 with valine.
Molecular consequence: missense variant.
Genome position (GRCh38, 1-based): chrX:31,627,782, G>A on the plus strand (C>T on the coding strand, the complement: DMD is on the minus strand). VCF-style: chrX-31627782-G-A. GRCh37 (hg19) VCF-style: chrX-31645899-G-A.
Other names: c.8084C>T, p.Ala2695Val (NM_000109.4); c.8096C>T, p.Ala2699Val (NM_004009.3); c.7739C>T, p.Ala2580Val (NM_004010.3); c.4085C>T, p.Ala1362Val (NM_004011.4); c.4076C>T, p.Ala1359Val (NM_004012.4); c.728C>T, p.Ala243Val (NM_004013.3, NM_004020.4, NM_004021.3 and 2 more transcripts); short protein forms A1362V, A2699V, A243V, A2580V, A2703V, A1359V, A2695V.
Identifiers: ClinVar variation 3668962 (VCV003668962.1).